The following is an entry in ClinVar:

NM_030665.4(RAI1):c.2736C>T (p.Ala912=)

Gene: RAI1 (retinoic acid induced 1; plus strand). Cytogenetic location: 17p11.2.
Variant type: single nucleotide variant.
Coding change: c.2736C>T on transcript NM_030665.4 (MANE Select); coding-DNA position 2736, C replaced by T.
Protein change: p.Ala912=; no amino-acid change (alanine 912 retained).
Molecular consequence: synonymous variant.
Genome position (GRCh38, 1-based): chr17:17,795,684, C>T. VCF-style: chr17-17795684-C-T. GRCh37 (hg19) VCF-style: chr17-17698998-C-T.
Identifiers: ClinVar variation 1562138 (VCV001562138.13), dbSNP rs145551614, ClinGen allele CA8418598.
Genomic context (GRCh38, chr17:17,795,684, plus strand): 5'-ACCCAAGGCCCCACTCATCTGCACCAAGGAGGAGGTGGAGGAGGTGCTGGACTCCAAGGC[C>T]GGCTGGGGCTCTCCGTGCCACCTCTCAGGGGAGTCCGTCATCCTGCTGGGCCCTACAGTG-3'
Protein context (NP_109590.3, residues 902-922): EEVEEVLDSK[Ala912=]GWGSPCHLSG

ClinVar aggregate classification (germline): Likely benign. Review status: criteria provided, multiple submitters, no conflicts (2 of 4 stars). 3 submissions from 3 submitters: Likely benign (2). 1 of the submissions does not count toward it. Last evaluated 2025-06-14.

Conditions:
RAI1-related disorder. Also called: RAI1-related condition.
Inborn genetic diseases. Identifiers: MedGen C0950123, MeSH D030342.

Allele frequency attached by ClinVar (database versions not stated): ESP Exome Variant Server 0.00008; 1000 Genomes Project 30x 0.00016; 1000 Genomes Project 0.00020.

Submissions (3):

Labcorp Genetics (formerly Invitae), Labcorp
Classification: Likely benign. Last evaluated: 2025-06-14. Review status: criteria provided, single submitter. Criteria: Invitae Variant Classification Sherloc (09022015). Collection method: clinical testing. Allele origin: germline.

Ambry Genetics
Classification: Likely benign for Inborn genetic diseases. Last evaluated: 2018-11-29. Review status: criteria provided, single submitter. Criteria: Ambry Variant Classification Scheme 2023. Collection method: clinical testing. Allele origin: germline.

PreventionGenetics, part of Exact Sciences
Classification: Likely benign for RAI1-related condition. Last evaluated: 2021-09-09. Review status: no assertion criteria provided. Collection method: clinical testing. Allele origin: germline. Not counted in ClinVar's aggregate classification.
Comment: This variant is classified as likely benign based on ACMG/AMP sequence variant interpretation guidelines (Richards et al. 2015 PMID: 25741868, with internal and published modifications).